The following is an entry in ClinVar:

ClinVar aggregate classification (germline): Uncertain significance (1 of 4 stars; one submission).

Conditions:
Familial cold autoinflammatory syndrome 2 (FCAS2). Identifiers: Orphanet 247868, MedGen C2673198, MONDO:0012724, OMIM 611762.

Submission:

Labcorp Genetics (formerly Invitae), Labcorp
Classification: Uncertain significance for Familial cold autoinflammatory syndrome 2. Last evaluated: 2023-04-28. Review status: criteria provided, single submitter. Criteria: Invitae Variant Classification Sherloc (09022015). Collection method: clinical testing. Allele origin: germline.
Comment: Experimental studies and prediction algorithms are not available or were not evaluated, and the functional significance of this variant is currently unknown. In summary, the available evidence is currently insufficient to determine the role of this variant in disease. Therefore, it has been classified as a Variant of Uncertain Significance. This variant has not been reported in the literature in individuals affected with NLRP12-related conditions. This variant results in a copy number gain of the genomic region encompassing exon(s) 1-4 of the NLRP12 gene. This region includes the initiator codon of the gene. This copy number gain extends beyond the assayed region for this gene and therefore may encompass additional genes. As the precise location of this event is unknown, it may be in tandem or it may be located elsewhere in the genome.

NC_000019.9:g.(?_54310729)_(54327428_?)dup

Gene: NLRP12 (NLR family pyrin domain containing 12; minus strand). Cytogenetic location: 19q13.42.
Variant type: Duplication.
Identifiers: ClinVar variation 2427307 (VCV002427307.4).